The following is an entry in ClinVar:

NM_020458.4(TTC7A):c.718C>G (p.Leu240Val)

Gene: TTC7A (tetratricopeptide repeat domain 7A; plus strand). Cytogenetic location: 2p21.
Variant type: single nucleotide variant.
Coding change: c.718C>G on transcript NM_020458.4 (MANE Select); coding-DNA position 718, C replaced by G.
Protein change: p.Leu240Val; replaces leucine 240 with valine.
Molecular consequence: missense variant. On other transcripts: 5 prime UTR variant (1).
Genome position (GRCh38, 1-based): chr2:46,978,861, C>G. VCF-style: chr2-46978861-C-G. GRCh37 (hg19) VCF-style: chr2-47206000-C-G.
Other names: c.718C>G, p.Leu240Val (NM_001288951.2); c.616C>G, p.Leu206Val (NM_001288953.2); c.-187C>G (NM_001288955.2); short protein forms L206V, L240V.
Identifiers: ClinVar variation 937362 (VCV000937362.8), dbSNP rs144671396, ClinGen allele CA1647323.

ClinVar aggregate classification (germline): Uncertain significance (1 of 4 stars; one submission).

Conditions:
Multiple gastrointestinal atresias. Also called: Multiple intestinal atresia; FAMILIAL INTESTINAL POLYATRESIA SYNDROME. Identifiers: Orphanet 2300, MedGen C0220744, MONDO:0009465.

Allele frequency attached by ClinVar (database versions not stated): gnomAD exomes below 0.00001; ExAC 0.00002; gnomAD 0.00006; TOPMed 0.00006; ESP Exome Variant Server 0.00008; 1000 Genomes Project 0.00020; 1000 Genomes Project 30x 0.00031.
gnomAD v4.1: 13 of 1,614,124 alleles (0.00081%); highest among the groups gnomAD compares: African/African-American, 0.016%; no homozygotes.

Submission:

Labcorp Genetics (formerly Invitae), Labcorp
Classification: Uncertain significance for Multiple gastrointestinal atresias. Last evaluated: 2024-12-16. Review status: criteria provided, single submitter. Criteria: Invitae Variant Classification Sherloc (09022015). Collection method: clinical testing. Allele origin: germline.
Comment: This sequence change replaces leucine, which is neutral and non-polar, with valine, which is neutral and non-polar, at codon 240 of the TTC7A protein (p.Leu240Val). This variant is present in population databases (rs144671396, gnomAD 0.02%). This variant has not been reported in the literature in individuals affected with TTC7A-related conditions. ClinVar contains an entry for this variant (Variation ID: 937362). Invitae Evidence Modeling of protein sequence and biophysical properties (such as structural, functional, and spatial information, amino acid conservation, physicochemical variation, residue mobility, and thermodynamic stability) indicates that this missense variant is not expected to disrupt TTC7A protein function with a negative predictive value of 80%. In summary, the available evidence is currently insufficient to determine the role of this variant in disease. Therefore, it has been classified as a Variant of Uncertain Significance.